The following is an entry in ClinVar:

NM_173582.6(PGM2L1):c.872A>G (p.Gln291Arg)

Gene: PGM2L1 (phosphoglucomutase 2 like 1; minus strand). Cytogenetic location: 11q13.4.
Variant type: single nucleotide variant.
Coding change: c.872A>G on transcript NM_173582.6 (MANE Select); coding-DNA position 872, A replaced by G.
Protein change: p.Gln291Arg; replaces glutamine 291 with arginine.
Molecular consequence: missense variant.
Genome position (GRCh38, 1-based): chr11:74,347,215, T>C on the plus strand (A>G on the coding strand, the complement: PGM2L1 is on the minus strand). VCF-style: chr11-74347215-T-C. GRCh37 (hg19) VCF-style: chr11-74058260-T-C.
Other names: short protein forms Q291R.
Identifiers: ClinVar variation 4292974 (VCV004292974.1).

ClinVar aggregate classification (germline): Uncertain significance (1 of 4 stars; one submission).

Conditions:
Neurodevelopmental disorder with hypotonia, dysmorphic facies, and skin abnormalities (NEDHFS). Identifiers: MedGen C5774285, MONDO:0859347, OMIM 620191.

Submission:

3billion
Classification: Uncertain significance for Neurodevelopmental disorder with hypotonia, dysmorphic facies, and skin abnormalities. Last evaluated: 2024-12-04. Review status: criteria provided, single submitter. Criteria: ACMG Guidelines, 2015. Collection method: clinical testing. Allele origin: germline. Affected: yes.
Comment: The variant is not observed in the gnomAD v4.1.0 dataset. Predicted Consequence/Location: Missense variant. The majority of the known disease-causing variants of this gene are variants expected to result in premature termination of the protein. In silico tool predictions suggest damaging effect of the variant on gene or gene product [REVEL: 0.61 (>=0.6, sensitivity 0.68 and specificity 0.92); 3Cnet: 0.97 (>=0.6, sensitivity 0.72 and precision 0.9)]. Therefore, this variant is classified as VUS according to the recommendation of ACMG/AMP guideline.